The following is an entry in ClinVar:

NM_000384.3(APOB):c.4937G>T (p.Arg1646Met)

Gene: APOB (apolipoprotein B; minus strand). Cytogenetic location: 2p24.1.
Variant type: single nucleotide variant.
Coding change: c.4937G>T on transcript NM_000384.3 (MANE Select); coding-DNA position 4937, G replaced by T.
Protein change: p.Arg1646Met; replaces arginine 1646 with methionine.
Molecular consequence: missense variant.
Genome position (GRCh38, 1-based): chr2:21,011,931, C>A on the plus strand (G>T on the coding strand, the complement: APOB is on the minus strand). VCF-style: chr2-21011931-C-A. GRCh37 (hg19) VCF-style: chr2-21234803-C-A.
Other names: short protein forms R1646M.
Identifiers: ClinVar variation 4686858 (VCV004686858.1).

ClinVar aggregate classification (germline): Uncertain significance (1 of 4 stars; one submission).

gnomAD v4.1: 1 of 1,614,046 alleles (0.000062%); highest among the groups gnomAD compares: Non-Finnish European, 0.000085%; no homozygotes.

Submission:

GeneDx
Classification: Uncertain significance. Last evaluated: 2025-07-22. Review status: criteria provided, single submitter. Criteria: GeneDx Variant Classification Process June 2021. Collection method: clinical testing. Allele origin: germline. Affected: yes.
Comment: Not observed at significant frequency in large population cohorts (gnomAD); In silico analysis supports that this missense variant has a deleterious effect on protein structure/function; Has not been previously published as pathogenic or benign to our knowledge; Also known as R1619M